The following is an entry in ClinVar:

NC_000017.10:g.(?_46019042)_(46024148_?)dup

Gene: PNPO (pyridoxamine 5'-phosphate oxidase; plus strand). Cytogenetic location: 17q21.32.
Variant type: Duplication.
Identifiers: ClinVar variation 2426450 (VCV002426450.3).

ClinVar aggregate classification (germline): Uncertain significance (1 of 4 stars; one submission).

Conditions:
Pyridoxal phosphate-responsive seizures (PNPOD). Also called: EPILEPTIC ENCEPHALOPATHY, NEONATAL, PNPO-RELATED; SEIZURES, PYRIDOXINE-RESISTANT, PLP-SENSITIVE; Pyridoxamine 5-Prime-Phosphate Oxidase Deficiency; Pyridoxine-5'-phosphate oxidase deficiency; Pyridoxal 5'-Phosphate (PLP)-Dependent Epilepsy. Identifiers: Orphanet 79096, MedGen C1864723, MONDO:0012407, OMIM 610090. Disease mechanism: loss of function.

Submission:

Labcorp Genetics (formerly Invitae), Labcorp
Classification: Uncertain significance for Pyridoxal phosphate-responsive seizures. Last evaluated: 2021-11-22. Review status: criteria provided, single submitter. Criteria: Invitae Variant Classification Sherloc (09022015). Collection method: clinical testing. Allele origin: germline.
Comment: A copy number gain of the genomic region encompassing the full coding sequence of the PNPO gene has been identified. The boundaries of this event are unknown as they extend beyond the assayed region for this gene and therefore may encompass additional genes. As the precise location of this event is unknown, it may be in tandem or it may be located elsewhere in the genome. This variant has not been reported in the literature in individuals affected with PNPO-related conditions. In summary, the available evidence is currently insufficient to determine the role of this variant in disease. Therefore, it has been classified as a Variant of Uncertain Significance.